The following is an entry in ClinVar:

Conditions:
Complex neurodevelopmental disorder. Identifiers: Orphanet 528084, MedGen C5568766, MONDO:0100038.

Submissions (6):

Channelopathy-Associated Epilepsy Research Center
No classification provided (evidence only). Condition: Complex neurodevelopmental disorder. Review status: no classification provided. Collection method: literature only. Allele origin: not applicable. Functional consequence: Severe decrease in peak current, Normal rate of activation, Moderate hyperpolarizing shift of voltage dependence of activation.
ClinVar note: "not provided" was previously submitted as the classification for the variant. However, the classification appeared to be based only on an observation of functional data so it was converted to no classification on 2025-07-30.

Channelopathy-Associated Epilepsy Research Center
No classification provided (evidence only). Review status: no classification provided. Collection method: in vitro. Allele origin: not applicable. Functional consequence: Decrease in peak current. Not counted in ClinVar's aggregate classification.

Channelopathy-Associated Epilepsy Research Center
No classification provided (evidence only). Review status: no classification provided. Collection method: in vitro. Allele origin: not applicable. Functional consequence: Decrease in peak current. Not counted in ClinVar's aggregate classification.

Channelopathy-Associated Epilepsy Research Center
No classification provided (evidence only). Review status: no classification provided. Collection method: in vitro. Allele origin: not applicable. Functional consequence: Normal voltage dependence of activation. Not counted in ClinVar's aggregate classification.

Channelopathy-Associated Epilepsy Research Center
No classification provided (evidence only). Review status: no classification provided. Collection method: in vitro. Allele origin: not applicable. Functional consequence: Increase in slope of activation. Not counted in ClinVar's aggregate classification.

Channelopathy-Associated Epilepsy Research Center
No classification provided (evidence only). Review status: no classification provided. Collection method: in vitro. Allele origin: not applicable. Functional consequence: Normal rate of activation. Not counted in ClinVar's aggregate classification.

Literature cited by the submitters: PubMed 35104249.

NM_172107.4(KCNQ2):c.850T>A (p.Tyr284Asn)

Gene: KCNQ2 (potassium voltage-gated channel subfamily Q member 2; minus strand). Cytogenetic location: 20q13.33.
Variant type: single nucleotide variant.
Coding change: c.850T>A on transcript NM_172107.4 (MANE Select); coding-DNA position 850, T replaced by A.
Protein change: p.Tyr284Asn; replaces tyrosine 284 with asparagine.
Molecular consequence: missense variant.
Genome position (GRCh38, 1-based): chr20:63,439,675, A>T on the plus strand (T>A on the coding strand, the complement: KCNQ2 is on the minus strand). VCF-style: chr20-63439675-A-T. GRCh37 (hg19) VCF-style: chr20-62071028-A-T.
Other names: c.850T>A, p.Tyr284Asn (NM_001382235.1, NM_004518.6, NM_172106.3 and 2 more transcripts); short protein forms Y284N.
Identifiers: ClinVar variation 2573144 (VCV002573144.3), dbSNP rs864321706, ClinGen allele CA409652666.